The following is an entry in ClinVar:

NM_000037.4(ANK1):c.3399C>T (p.Thr1133=)

Gene: ANK1 (ankyrin 1; minus strand). Cytogenetic location: 8p11.21.
Variant type: single nucleotide variant.
Coding change: c.3399C>T on transcript NM_000037.4 (MANE Select); coding-DNA position 3399, C replaced by T.
Protein change: p.Thr1133=; no amino-acid change (threonine 1133 retained).
Molecular consequence: synonymous variant.
Genome position (GRCh38, 1-based): chr8:41,694,031, G>A on the plus strand (C>T on the coding strand, the complement: ANK1 is on the minus strand). VCF-style: chr8-41694031-G-A. GRCh37 (hg19) VCF-style: chr8-41551549-G-A.
Other names: p.Thr1133=; c.3522C>T, p.Thr1174= (NM_001142446.2); c.3399C>T, p.Thr1133= (NM_020475.3, NM_020476.3, NM_020477.3).
Identifiers: ClinVar variation 363006 (VCV000363006.49), dbSNP rs117516263, ClinGen allele CA4727887.

ClinVar aggregate classification (germline): Conflicting classifications of pathogenicity. Review status: criteria provided, conflicting classifications (1 of 4 stars). 6 submissions from 5 submitters: Uncertain significance (1); Benign (2); Likely benign (3). Last evaluated 2026-06-01.

Conditions:
Spherocytosis. Identifiers: MedGen C0553720, HP:0004444.
Hereditary spherocytosis type 1. Also called: Spherocytosis type 1; ANK1-Related Spherocytosis. Identifiers: Orphanet 822, MedGen C2674218, MONDO:0008447, OMIM 182900.

Allele frequency attached by ClinVar (database versions not stated): 1000 Genomes Project 30x 0.00250; 1000 Genomes Project 0.00260; TOPMed 0.00294; gnomAD 0.00452 and 0.00465; ESP Exome Variant Server 0.00461; gnomAD exomes 0.00464 and 0.00492; ExAC 0.00474.
gnomAD v4.1: 7,809 of 1,614,026 alleles (0.48%); highest among the groups gnomAD compares: Non-Finnish European, 0.55%; 31 homozygotes.

Submissions (6):

CeGaT Center for Human Genetics Tuebingen
Classification: Likely benign. Last evaluated: 2026-06-01. Review status: criteria provided, single submitter. Criteria: CeGaT Center For Human Genetics Tuebingen Variant Classification Criteria Version 2. Collection method: clinical testing. Allele origin: germline. Affected: yes. Observed: 16 variant alleles.
Comment: ANK1: BP4, BP7, BS2

Labcorp Genetics (formerly Invitae), Labcorp
Classification: Benign. Last evaluated: 2026-01-13. Review status: criteria provided, single submitter. Criteria: Invitae Variant Classification Sherloc (09022015). Collection method: clinical testing. Allele origin: germline.

ARUP Laboratories, Molecular Genetics and Genomics, ARUP Laboratories
Classification: Benign for Hereditary spherocytosis type 1. Last evaluated: 2025-06-06. Review status: criteria provided, single submitter. Criteria: ARUP Molecular Germline Variant Investigation Process 2024. Collection method: clinical testing. Allele origin: germline.

Mayo Clinic Laboratories, Mayo Clinic
Classification: Likely benign. Last evaluated: 2024-12-26. Review status: criteria provided, single submitter. Criteria: ACMG Guidelines, 2015. Collection method: clinical testing. Allele origin: germline. Observed: 8 variant alleles.
Comment: BS2, BP4, BP7

Illumina Laboratory Services, Illumina
Classification: Likely benign for Hereditary spherocytosis type 1. Last evaluated: 2018-01-13. Review status: criteria provided, single submitter. Criteria: ICSL Variant Classification Criteria 13 December 2019. Collection method: clinical testing. Allele origin: germline.
Comment: This variant was observed in the ICSL laboratory as part of a predisposition screen in an ostensibly healthy population. It had not been previously curated by ICSL or reported in the Human Gene Mutation Database (HGMD: prior to June 1st, 2018), and was therefore a candidate for classification through an automated scoring system. Utilizing variant allele frequency, disease prevalence and penetrance estimates, and inheritance mode, an automated score was calculated to assess if this variant is too frequent to cause the disease. Based on the score and internal cut-off values, a variant classified as likely benign is not then subjected to further curation. The score for this variant resulted in a classification of likely benign for this disease.

Illumina Laboratory Services, Illumina
Classification: Uncertain significance for Spherocytosis. Last evaluated: 2018-01-13. Review status: criteria provided, single submitter. Criteria: ICSL Variant Classification Criteria 13 December 2019. Collection method: clinical testing. Allele origin: germline.